The following is an entry in ClinVar:

ClinVar aggregate classification (germline): Likely benign. Review status: reviewed by expert panel (3 of 4 stars). 8 submissions from 8 submitters: Likely benign (1). 7 of the submissions do not count toward it. Last evaluated 2026-01-23.

Conditions:
Neuromuscular disease caused by qualitative or quantitative defects of dysferlin. Also called: Dysferlinopathy; Qualitative or quantitative defects of dysferlin. Identifiers: Orphanet 207073, MedGen C2931687, MONDO:0016145.
Autosomal recessive limb-girdle muscular dystrophy type 2B (LGMDR2). Also called: Limb-girdle muscular dystrophy, type 2B; MUSCULAR DYSTROPHY, LIMB-GIRDLE, AUTOSOMAL RECESSIVE 2; MUSCULAR DYSTROPHY, LIMB-GIRDLE, TYPE 3; Limb-Girdle Muscular Dystrophy Type 2B (LGMD2B). Identifiers: Orphanet 268, MedGen C1850889, MONDO:0009676, OMIM 253601.
Autosomal recessive limb-girdle muscular dystrophy. Identifiers: Orphanet 102015, MedGen C2931907, MONDO:0015152.

Allele frequency attached by ClinVar (database versions not stated): gnomAD exomes 0.00007 and 0.00011; ExAC 0.00012; TOPMed 0.00019; gnomAD 0.00021 and 0.00022; ESP Exome Variant Server 0.00038; 1000 Genomes Project 0.00040; 1000 Genomes Project 30x 0.00047.
gnomAD v4.1: 137 of 1,614,164 alleles (0.0085%); highest among the groups gnomAD compares: Middle Eastern, 0.17%; 1 homozygote.

Submissions (8):

ClinGen Limb Girdle Muscular Dystrophy Variant Curation Expert Panel, ClinGen
Classification: Likely benign for Autosomal recessive limb-girdle muscular dystrophy. Last evaluated: 2026-01-23. Review status: reviewed by expert panel. Criteria: ClinGen LGMD VCEP ACMG Specifications DYSF V2.0.0. Collection method: curation. Allele origin: germline. Inheritance: Autosomal recessive inheritance.
Comment: The NM_003494.4: c.532G>A variant in DYSF, which is also known as NM_001130987.2: c.628G>A (p.Gly210Arg), is a missense variant predicted to cause substitution of glycine to arginine at amino acid 178, p.(Gly178Arg). This variant has been observed in two individuals with suspected LGMD, one in a heterozygous state with no second variant detected (PMID: 30564623, LOVD Individual #00219942) and one in a homozygous state, but who was also homozygous for a pathogenic variant (NM_003494.4: c.5668-824C>T), indicating these two variants occur in cis (BP2; Jain Foundation Dysferlin Registry internal data communication). The filtering allele frequency of this variant is 0.0009410 (the lower threshold of the 95% CI of 10/6058 Middle Eastern chromosomes) in gnomAD v4.1.0, which is less than the ClinGen LGMD VCEP threshold >0.001 for BS1 (BS1 not met). The computational predictor REVEL gives a score of 0.15 (PP3 and BP4 not met). In summary, this variant meets the criteria to be classified as Likely Benign for autosomal recessive limb-girdle muscular dystrophy based on the ACMG/AMP criteria applied, as specified by the ClinGen LGMD VCEP (specifications v2.0.0; 01/23/2026): BP2.

CeGaT Center for Human Genetics Tuebingen
Classification: Uncertain significance. Last evaluated: 2026-09-01. Review status: criteria provided, single submitter. Criteria: CeGaT Center For Human Genetics Tuebingen Variant Classification Criteria Version 2. Collection method: clinical testing. Allele origin: germline. Affected: yes. Observed: 1 variant allele. Not counted in ClinVar's aggregate classification.
Comment: DYSF: PM2

Labcorp Genetics (formerly Invitae), Labcorp
Classification: Likely benign for Neuromuscular disease caused by qualitative or quantitative defects of dysferlin. Last evaluated: 2025-09-22. Review status: criteria provided, single submitter. Criteria: Invitae Variant Classification Sherloc (09022015). Collection method: clinical testing. Allele origin: germline. Not counted in ClinVar's aggregate classification.

Mayo Clinic Laboratories, Mayo Clinic
Classification: Uncertain significance. Last evaluated: 2025-08-15. Review status: criteria provided, single submitter. Criteria: ACMG Guidelines, 2015. Collection method: clinical testing. Allele origin: germline. Observed: 1 variant allele. Not counted in ClinVar's aggregate classification.
Comment: BP4_moderate

Revvity Omics, Revvity
Classification: Uncertain significance. Last evaluated: 2020-03-08. Review status: criteria provided, single submitter. Criteria: ACMG Guidelines, 2015. Collection method: clinical testing. Allele origin: germline. Not counted in ClinVar's aggregate classification.

Illumina Laboratory Services, Illumina
Classification: Uncertain significance for Qualitative or quantitative defects of dysferlin. Last evaluated: 2018-01-13. Review status: criteria provided, single submitter. Criteria: ICSL Variant Classification Criteria 13 December 2019. Collection method: clinical testing. Allele origin: germline. Not counted in ClinVar's aggregate classification.

Eurofins Ntd Llc (ga)
Classification: Uncertain significance. Last evaluated: 2016-03-18. Review status: criteria provided, single submitter. Criteria: EGL Classification Definitions 2015. Collection method: clinical testing. Allele origin: germline. Observed: 1 variant allele, 1 heterozygote. Not counted in ClinVar's aggregate classification.

Natera, Inc.
Classification: Uncertain significance for Limb-girdle muscular dystrophy type 2B. Last evaluated: 2020-09-16. Review status: no assertion criteria provided. Collection method: clinical testing. Allele origin: germline. Not counted in ClinVar's aggregate classification.

Literature cited by the submitters: PubMed 30564623 (cited by Mayo Clinic Laboratories, Mayo Clinic).

NM_001130987.2(DYSF):c.628G>A (p.Gly210Arg)

Gene: DYSF (dysferlin; plus strand). Cytogenetic location: 2p13.2.
Variant type: single nucleotide variant.
Coding change: c.628G>A on transcript NM_001130987.2 (MANE Select); coding-DNA position 628, G replaced by A.
Protein change: p.Gly210Arg; replaces glycine 210 with arginine.
Molecular consequence: missense variant.
Genome position (GRCh38, 1-based): chr2:71,513,790, G>A. VCF-style: chr2-71513790-G-A. GRCh37 (hg19) VCF-style: chr2-71740920-G-A.
Other names: p.Gly178Arg; NM_001130987.2(DYSF):c.628G>A; p.Gly210Arg; c.535G>A, p.Gly179Arg (NM_001130455.2, NM_001130983.2, NM_001130984.2 and 1 more transcripts); c.532G>A, p.Gly178Arg (NM_001130976.2, NM_001130977.2, NM_001130978.2 and 1 more transcripts); c.625G>A, p.Gly209Arg (NM_001130979.2, NM_001130980.2, NM_001130981.2); c.628G>A, p.Gly210Arg (NM_001130982.2, NM_001130985.2); short protein forms G178R, G210R, G179R, G209R.
Identifiers: ClinVar variation 286920 (VCV000286920.24), dbSNP rs143562525, ClinGen allele CA1705397.